The following is an entry in ClinVar:

NM_001384732.1(CPLANE1):c.1102C>A (p.His368Asn)

Gene: CPLANE1 (ciliogenesis and planar polarity effector complex subunit 1; minus strand). Cytogenetic location: 5p13.2.
Variant type: single nucleotide variant.
Coding change: c.1102C>A on transcript NM_001384732.1 (MANE Select); coding-DNA position 1102, C replaced by A.
Protein change: p.His368Asn; replaces histidine 368 with asparagine.
Molecular consequence: missense variant.
Genome position (GRCh38, 1-based): chr5:37,230,886, G>T on the plus strand (C>A on the coding strand, the complement: CPLANE1 is on the minus strand). VCF-style: chr5-37230886-G-T. GRCh37 (hg19) VCF-style: chr5-37230988-G-T.
Other names: c.1102C>A, p.His368Asn (NM_023073.4); short protein forms H368N.
Identifiers: ClinVar variation 3252840 (VCV003252840.1), dbSNP rs2548668595.

ClinVar aggregate classification (germline): Uncertain significance (1 of 4 stars; one submission).

Submission:

GeneDx
Classification: Uncertain significance. Last evaluated: 2023-10-12. Review status: criteria provided, single submitter. Criteria: GeneDx Variant Classification Process June 2021. Collection method: clinical testing. Allele origin: germline. Affected: yes.
Comment: Not observed at significant frequency in large population cohorts (gnomAD); In silico analysis supports that this missense variant has a deleterious effect on protein structure/function; Has not been previously published as pathogenic or benign to our knowledge; In silico analysis is inconclusive as to whether the variant alters gene splicing. In the absence of RNA/functional studies, the actual effect of this sequence change is unknown.